The following is an entry in ClinVar:

ClinVar aggregate classification (germline): Pathogenic (1 of 4 stars; one submission).

Submission:

Labcorp Genetics (formerly Invitae), Labcorp
Classification: Pathogenic. Last evaluated: 2023-01-20. Review status: criteria provided, single submitter. Criteria: Invitae Variant Classification Sherloc (09022015). Collection method: clinical testing. Allele origin: germline.
Comment: For these reasons, this variant has been classified as Pathogenic. This variant disrupts a region of the ARID1B protein in which other variant(s) (p.Ser2228*) have been determined to be pathogenic (PMID: 31981384). This suggests that this is a clinically significant region of the protein, and that variants that disrupt it are likely to be disease-causing. This variant has not been reported in the literature in individuals affected with ARID1B-related conditions. This variant is not present in population databases (gnomAD no frequency). This sequence change creates a premature translational stop signal (p.Leu1931Valfs*12) in the ARID1B gene. While this is not anticipated to result in nonsense mediated decay, it is expected to disrupt the last 319 amino acid(s) of the ARID1B protein.

Literature cited by the submitters: PubMed 31981384.

NM_001374828.1(ARID1B):c.6160_6161del (p.Leu2054fs)

Gene: ARID1B (AT-rich interaction domain 1B; plus strand). Cytogenetic location: 6q25.3.
Variant type: Microsatellite.
Coding change: c.6160_6161del on transcript NM_001374828.1 (MANE Select); coding-DNA positions 6160 to 6161, 2 bases deleted (CT; older notation c.6160_6161delCT).
Protein change: p.Leu2054fs; shifts the reading frame from leucine 2054.
Molecular consequence: frameshift variant.
Genome position (GRCh38, 1-based): chr6:157,206,932-157,206,933, CT deleted; deleting any 2 consecutive bases within chr6:157,206,930-157,206,933 gives the same sequence; the c. name uses the placement nearest the transcript's 3' end. VCF-style (leftmost placement, unchanged base first): chr6-157206929-CCT-C. GRCh37 (hg19) VCF-style: chr6-157528063-CCT-C.
Other names: c.5909_5910CT[1], p.Leu1971Valfs (NM_001346813.1); c.3661_3662del, p.Leu1221fs (NM_001363725.2); c.6040_6041del, p.Leu2014fs (NM_001371656.1, NM_001374820.1); c.6001_6002del, p.Leu2001fs (NM_017519.3); c.5789_5790CT[1], p.Leu1931Valfs (NM_020732.3); c.5576_5577CT[1], p.Leu1860Valfs (NM_175863.2); short protein forms L2014fs, L1221fs, L2054fs, L2001fs.
Identifiers: ClinVar variation 2800718 (VCV002800718.3), dbSNP rs2538775055, ClinGen allele CA2739266212.
Genomic context (GRCh38, chr6:157,206,929, plus strand): 5'-GCCAAAAGTCACCGGAACATCAAGCTGCTGGAGGACGAGCCCAGGAGCCGAGACGAGACT[CCT>C]CTGTGTACCATCGCGCACTGGCAGGACTCGCTGGCTAAGCGATGCATCTGTGTGTCCAAT-3'